The following is an entry in ClinVar:

ClinVar aggregate classification (germline): Uncertain significance (1 of 4 stars; one submission).

Allele frequency attached by ClinVar (database versions not stated): TOPMed below 0.00001; gnomAD exomes below 0.00001.
gnomAD v4.1: 2 of 1,613,778 alleles (0.00012%); highest among the groups gnomAD compares: South Asian, 0.0011%; no homozygotes.

Submission:

Labcorp Genetics (formerly Invitae), Labcorp
Classification: Uncertain significance. Last evaluated: 2021-11-26. Review status: criteria provided, single submitter. Criteria: Invitae Variant Classification Sherloc (09022015). Collection method: clinical testing. Allele origin: germline.
Comment: This sequence change replaces glutamic acid, which is acidic and polar, with aspartic acid, which is acidic and polar, at codon 692 of the ADAMTS18 protein (p.Glu692Asp). This variant is present in population databases (no rsID available, gnomAD 0.003%). This variant has not been reported in the literature in individuals affected with ADAMTS18-related conditions. Algorithms developed to predict the effect of missense changes on protein structure and function are either unavailable or do not agree on the potential impact of this missense change (SIFT: "Not Available"; PolyPhen-2: "Benign"; Align-GVGD: "Not Available"). In summary, the available evidence is currently insufficient to determine the role of this variant in disease. Therefore, it has been classified as a Variant of Uncertain Significance.

NM_199355.4(ADAMTS18):c.2076A>T (p.Glu692Asp)

Gene: ADAMTS18 (ADAM metallopeptidase with thrombospondin type 1 motif 18; minus strand). Cytogenetic location: 16q23.1.
Variant type: single nucleotide variant.
Coding change: c.2076A>T on transcript NM_199355.4 (MANE Select); coding-DNA position 2076, A replaced by T.
Protein change: p.Glu692Asp; replaces glutamic acid 692 with aspartic acid.
Molecular consequence: missense variant.
Genome position (GRCh38, 1-based): chr16:77,322,423, T>A on the plus strand (A>T on the coding strand, the complement: ADAMTS18 is on the minus strand). VCF-style: chr16-77322423-T-A. GRCh37 (hg19) VCF-style: chr16-77356320-T-A.
Other names: c.1560A>T, p.Glu520Asp (NM_001326358.2); short protein forms E520D, E692D.
Identifiers: ClinVar variation 1491144 (VCV001491144.3), dbSNP rs1292471359, ClinGen allele CA396828622.